The following is an entry in ClinVar:

NM_000075.4(CDK4):c.654T>C (p.Ser218=)

Genes: TSPAN31 (tetraspanin 31; plus strand), CDK4 (cyclin dependent kinase 4; minus strand). Cytogenetic location: 12q14.1.
Variant type: single nucleotide variant.
Coding change: c.654T>C on transcript NM_000075.4 (MANE Select); coding-DNA position 654, T replaced by C.
Protein change: p.Ser218=; no amino-acid change (serine 218 retained).
Molecular consequence: synonymous variant. On other transcripts: 3 prime UTR variant (3).
Genome position (GRCh38, 1-based): chr12:57,749,483, A>G on the plus strand (T>C on the coding strand, the complement: CDK4 is on the minus strand). VCF-style: chr12-57749483-A-G. GRCh37 (hg19) VCF-style: chr12-58143266-A-G.
Other names: c.*2193A>G (NM_001330168.2, NM_001330169.2, NM_005981.5).
Identifiers: ClinVar variation 1118809 (VCV001118809.12), dbSNP rs766518915, ClinGen allele CA6657726.

ClinVar aggregate classification (germline): Benign/Likely benign. Review status: criteria provided, multiple submitters, no conflicts (2 of 4 stars). 3 submissions from 3 submitters: Benign (1); Likely benign (2). Last evaluated 2024-09-26.

Conditions:
Familial melanoma. Also called: Hereditary melanoma; Hereditary cutaneous melanoma. Identifiers: Orphanet 618, MedGen C1512419, MONDO:0018961.
Hereditary cancer-predisposing syndrome. Also called: Neoplastic Syndromes, Hereditary; Hereditary Cancer Syndrome; Hereditary neoplastic syndrome; Tumor predisposition. Identifiers: Orphanet 140162, MedGen C0027672, MeSH D009386, MONDO:0015356.
Melanoma, cutaneous malignant, susceptibility to, 3. Also called: Cutaneous malignant melanoma 3. Identifiers: Orphanet 618, MedGen C1836892, MONDO:0012183, OMIM 609048.

Allele frequency attached by ClinVar (database versions not stated): TOPMed below 0.00001; ExAC 0.00001; gnomAD exomes 0.00001.
gnomAD v4.1: 3 of 1,614,244 alleles (0.00019%); highest among the groups gnomAD compares: South Asian, 0.0022%; no homozygotes.

Submissions (3):

Myriad Genetics, Inc.
Classification: Benign for Melanoma, cutaneous malignant, susceptibility to, 3. Last evaluated: 2024-09-26. Review status: criteria provided, single submitter. Criteria: Myriad Autosomal Dominant, Autosomal Recessive and X-Linked Classification Criteria (2023). Collection method: clinical testing. Allele origin: unknown.
Comment: This variant is considered benign. This variant is a silent/synonymous amino acid change and it is not expected to impact splicing.

Labcorp Genetics (formerly Invitae), Labcorp
Classification: Likely benign for Familial melanoma. Last evaluated: 2023-07-24. Review status: criteria provided, single submitter. Criteria: Invitae Variant Classification Sherloc (09022015). Collection method: clinical testing. Allele origin: germline.

Ambry Genetics
Classification: Likely benign for Hereditary cancer-predisposing syndrome. Last evaluated: 2021-03-04. Review status: criteria provided, single submitter. Criteria: Ambry Variant Classification Scheme 2023. Collection method: clinical testing. Allele origin: germline.